The following is an entry in ClinVar:

ClinVar aggregate classification (germline): Conflicting classifications of pathogenicity. Review status: criteria provided, conflicting classifications (1 of 4 stars). 2 submissions from 2 submitters: Uncertain significance (1); Likely benign (1). Last evaluated 2018-07-14.

Conditions:
Osteogenesis imperfecta (OI). Identifiers: Orphanet 666, MedGen C0029434, MeSH D010013, MONDO:0019019.

Allele frequency attached by ClinVar (database versions not stated): gnomAD exomes 0.00093 and 0.00165; ExAC 0.00185; gnomAD 0.00396 and 0.00427; ESP Exome Variant Server 0.00416; 1000 Genomes Project 0.00439; TOPMed 0.00462; 1000 Genomes Project 30x 0.00484.

Submissions (2):

GeneDx
Classification: Likely benign. Last evaluated: 2018-07-14. Review status: criteria provided, single submitter. Criteria: GeneDx Variant Classification Process June 2021. Collection method: clinical testing. Allele origin: germline. Affected: yes.

Women's Health and Genetics/Laboratory Corporation of America, LabCorp
Classification: Uncertain significance for Osteogenesis Imperfecta. Last evaluated: 2011-08-18. Review status: criteria provided, single submitter. Criteria: LabCorp Variant Classification Summary - May 2015. Collection method: curation, clinical testing. Allele origin: germline. Inheritance: autosomal unknown. Affected: yes.
ClinVar note: Converted during submission from uncertain to Uncertain significance.

NM_000088.4(COL1A1):c.2452-23del

Gene: COL1A1 (collagen type I alpha 1 chain; minus strand). Cytogenetic location: 17q21.33.
Variant type: Deletion.
Coding change: c.2452-23del on transcript NM_000088.4 (MANE Select); 23 bases into the intron before coding-DNA position 2452, one base deleted (C; older notation c.2452-23delC).
Molecular consequence: intron variant.
Genome position (GRCh38, 1-based): chr17:50,190,131, G deleted on the plus strand (C on the coding strand, the reverse complement: COL1A1 is on the minus strand). VCF-style (leftmost placement, unchanged base first): chr17-50190130-TG-T. GRCh37 (hg19) VCF-style: chr17-48267491-TG-T.
Other names: c.2452-23delC (NM_000088.3).
Identifiers: ClinVar variation 35913 (VCV000035913.5), dbSNP rs146899953, ClinGen allele CA260297.